The following is an entry in ClinVar:

ClinVar aggregate classification (germline): Conflicting classifications of pathogenicity. Review status: criteria provided, conflicting classifications (1 of 4 stars). 3 submissions from 3 submitters: Uncertain significance (1); Likely benign (2). Last evaluated 2025-09-05.

Conditions:
Cardiovascular phenotype. Identifiers: MedGen CN230736.
Long QT syndrome (LQTS). Identifiers: MedGen C0023976, MeSH D008133, MONDO:0002442. Disease mechanism: loss of function. Inheritance: Various modes of inheritance.

gnomAD v4.1: 37 of 1,613,714 alleles (0.0023%); highest among the groups gnomAD compares: South Asian, 0.037%; no homozygotes.

Submissions (3):

Ambry Genetics
Classification: Likely benign for Cardiovascular phenotype. Last evaluated: 2025-09-05. Review status: criteria provided, single submitter. Criteria: Ambry Variant Classification Scheme 2023. Collection method: clinical testing. Allele origin: germline.

Labcorp Genetics (formerly Invitae), Labcorp
Classification: Uncertain significance for Long QT syndrome. Last evaluated: 2024-02-26. Review status: criteria provided, single submitter. Criteria: Invitae Variant Classification Sherloc (09022015). Collection method: clinical testing. Allele origin: germline.
Comment: This sequence change replaces glutamic acid, which is acidic and polar, with glutamine, which is neutral and polar, at codon 3635 of the ANK2 protein (p.Glu3635Gln). This variant is present in population databases (rs763711118, gnomAD 0.04%). This variant has not been reported in the literature in individuals affected with ANK2-related conditions. Advanced modeling of protein sequence and biophysical properties (such as structural, functional, and spatial information, amino acid conservation, physicochemical variation, residue mobility, and thermodynamic stability) performed at Invitae indicates that this missense variant is not expected to disrupt ANK2 protein function with a negative predictive value of 80%. In summary, the available evidence is currently insufficient to determine the role of this variant in disease. Therefore, it has been classified as a Variant of Uncertain Significance.

Blueprint Genetics
Classification: Likely benign. Last evaluated: 2023-05-04. Review status: criteria provided, single submitter. Criteria: ACMG Guidelines, 2015. Collection method: clinical testing. Allele origin: germline.

NM_001148.6(ANK2):c.10903G>C (p.Glu3635Gln)

Gene: ANK2 (ankyrin 2; plus strand). Cytogenetic location: 4q26.
Variant type: single nucleotide variant.
Coding change: c.10903G>C on transcript NM_001148.6 (MANE Select); coding-DNA position 10903, G replaced by C.
Protein change: p.Glu3635Gln; replaces glutamic acid 3635 with glutamine.
Molecular consequence: missense variant.
Genome position (GRCh38, 1-based): chr4:113,365,053, G>C. VCF-style: chr4-113365053-G-C. GRCh37 (hg19) VCF-style: chr4-114286209-G-C.
Other names: c.4621G>C, p.Glu1541Gln (NM_001127493.3); c.4660G>C, p.Glu1554Gln (NM_001354225.2); c.4549G>C, p.Glu1517Gln (NM_001354228.2, NM_001354258.2); c.4627G>C, p.Glu1543Gln (NM_001354230.2); c.4690G>C, p.Glu1564Gln (NM_001354231.2, NM_001354242.2); c.4684G>C, p.Glu1562Gln (NM_001354232.2); c.4645G>C, p.Glu1549Gln (NM_001354235.2, NM_001354246.2, NM_001354265.2); c.4546G>C, p.Glu1516Gln (NM_001354236.2); and 35 more; short protein forms E1450Q, E1463Q, E1477Q, E1479Q, E1484Q, E1492Q, E1503Q, E1505Q.
Identifiers: ClinVar variation 3666646 (VCV003666646.5).